The following is an entry in ClinVar:

ClinVar aggregate classification (germline): Uncertain significance (1 of 4 stars; one submission).

Allele frequency attached by ClinVar (database versions not stated): gnomAD exomes below 0.00001 and 0.00001; TOPMed 0.00001.

Submission:

Labcorp Genetics (formerly Invitae), Labcorp
Classification: Uncertain significance. Last evaluated: 2024-07-04. Review status: criteria provided, single submitter. Criteria: Invitae Variant Classification Sherloc (09022015). Collection method: clinical testing. Allele origin: germline.
Comment: This sequence change replaces valine, which is neutral and non-polar, with alanine, which is neutral and non-polar, at codon 1051 of the NLRP1 protein (p.Val1051Ala). This variant is present in population databases (no rsID available, gnomAD 0.006%). This variant has not been reported in the literature in individuals affected with NLRP1-related conditions. ClinVar contains an entry for this variant (Variation ID: 1428172). Algorithms developed to predict the effect of missense changes on protein structure and function output the following: SIFT: "Not Available"; PolyPhen-2: "Benign"; Align-GVGD: "Not Available". The alanine amino acid residue is found in multiple mammalian species, which suggests that this missense change does not adversely affect protein function. In summary, the available evidence is currently insufficient to determine the role of this variant in disease. Therefore, it has been classified as a Variant of Uncertain Significance.

NM_033004.4(NLRP1):c.3152T>C (p.Val1051Ala)

Gene: NLRP1 (NLR family pyrin domain containing 1; minus strand). Cytogenetic location: 17p13.2.
Variant type: single nucleotide variant.
Coding change: c.3152T>C on transcript NM_033004.4 (MANE Select); coding-DNA position 3152, T replaced by C.
Protein change: p.Val1051Ala; replaces valine 1051 with alanine.
Molecular consequence: missense variant.
Genome position (GRCh38, 1-based): chr17:5,532,966, A>G on the plus strand (T>C on the coding strand, the complement: NLRP1 is on the minus strand). VCF-style: chr17-5532966-A-G. GRCh37 (hg19) VCF-style: chr17-5436286-A-G.
Other names: c.3164T>C, p.Val1055Ala (NM_001033053.3); c.3152T>C, p.Val1051Ala (NM_014922.5); c.3062T>C, p.Val1021Ala (NM_033006.4, NM_033007.4); short protein forms V1055A, V1051A, V1021A.
Identifiers: ClinVar variation 1428172 (VCV001428172.8), dbSNP rs1281176543, ClinGen allele CA397391720.